The following is an entry in ClinVar:

NM_000553.6(WRN):c.3866T>C (p.Met1289Thr)

Gene: WRN (WRN RecQ like helicase; plus strand). Cytogenetic location: 8p12.
Variant type: single nucleotide variant.
Coding change: c.3866T>C on transcript NM_000553.6 (MANE Select); coding-DNA position 3866, T replaced by C.
Protein change: p.Met1289Thr; replaces methionine 1289 with threonine.
Molecular consequence: missense variant.
Genome position (GRCh38, 1-based): chr8:31,157,414, T>C. VCF-style: chr8-31157414-T-C. GRCh37 (hg19) VCF-style: chr8-31014930-T-C.
Other names: short protein forms M1289T.
Identifiers: ClinVar variation 2831612 (VCV002831612.3), dbSNP rs2536061564, ClinGen allele CA370929371.

ClinVar aggregate classification (germline): Uncertain significance (1 of 4 stars; one submission).

Conditions:
Werner syndrome (WRN). Identifiers: Orphanet 902, MedGen C0043119, MONDO:0010196, OMIM 277700.

Allele frequency attached by ClinVar (database versions not stated): gnomAD exomes below 0.00001.

Submission:

Labcorp Genetics (formerly Invitae), Labcorp
Classification: Uncertain significance for Werner syndrome. Last evaluated: 2023-08-25. Review status: criteria provided, single submitter. Criteria: Invitae Variant Classification Sherloc (09022015). Collection method: clinical testing. Allele origin: germline.
Comment: In summary, the available evidence is currently insufficient to determine the role of this variant in disease. Therefore, it has been classified as a Variant of Uncertain Significance. Algorithms developed to predict the effect of missense changes on protein structure and function output the following: SIFT: "Not Available"; PolyPhen-2: "Benign"; Align-GVGD: "Not Available". The threonine amino acid residue is found in multiple mammalian species, which suggests that this missense change does not adversely affect protein function. This variant has not been reported in the literature in individuals affected with WRN-related conditions. This variant is not present in population databases (gnomAD no frequency). This sequence change replaces methionine, which is neutral and non-polar, with threonine, which is neutral and polar, at codon 1289 of the WRN protein (p.Met1289Thr).